The following is an entry in ClinVar:

NM_001099403.2(PRDM8):c.1114G>A (p.Ala372Thr)

Gene: PRDM8 (PR/SET domain 8; plus strand). Cytogenetic location: 4q21.21.
Variant type: single nucleotide variant.
Coding change: c.1114G>A on transcript NM_001099403.2 (MANE Select); coding-DNA position 1114, G replaced by A.
Protein change: p.Ala372Thr; replaces alanine 372 with threonine.
Molecular consequence: missense variant.
Genome position (GRCh38, 1-based): chr4:80,202,576, G>A. VCF-style: chr4-80202576-G-A. GRCh37 (hg19) VCF-style: chr4-81123730-G-A.
Other names: c.1114G>A, p.Ala372Thr (NM_020226.4); short protein forms A372T.
Identifiers: ClinVar variation 862030 (VCV000862030.10), dbSNP rs910463955, ClinGen allele CA100000727.

ClinVar aggregate classification (germline): Uncertain significance. Review status: criteria provided, multiple submitters, no conflicts (2 of 4 stars). 2 submissions from 2 submitters: Uncertain significance (2). Last evaluated 2025-10-02.

Conditions:
Early-onset Lafora body disease. Also called: Epilepsy, progressive myoclonic, 10. Identifiers: Orphanet 324290, MedGen C4225258, MONDO:0014717, OMIM 616640.

Allele frequency attached by ClinVar (database versions not stated): gnomAD exomes below 0.00001; TOPMed 0.00002; gnomAD 0.00002.
gnomAD v4.1: 7 of 1,534,254 alleles (0.00046%); highest among the groups gnomAD compares: Admixed American, 0.002%; no homozygotes.

Submissions (2):

Ambry Genetics
Classification: Uncertain significance. Last evaluated: 2025-10-02. Review status: criteria provided, single submitter. Criteria: Ambry Variant Classification Scheme 2023. Collection method: clinical testing. Allele origin: germline.

Labcorp Genetics (formerly Invitae), Labcorp
Classification: Uncertain significance for Early-onset Lafora body disease. Last evaluated: 2019-12-15. Review status: criteria provided, single submitter. Criteria: Invitae Variant Classification Sherloc (09022015). Collection method: clinical testing. Allele origin: germline.
Comment: In summary, the available evidence is currently insufficient to determine the role of this variant in disease. Therefore, it has been classified as a Variant of Uncertain Significance. Algorithms developed to predict the effect of missense changes on protein structure and function are either unavailable or do not agree on the potential impact of this missense change (SIFT: "Deleterious"; PolyPhen-2: "Benign"; Align-GVGD: "Class C0"). This variant has not been reported in the literature in individuals with PRDM8-related conditions. The frequency data for this variant in the population databases is considered unreliable, as metrics indicate insufficient coverage at this position in the ExAC database. This sequence change replaces alanine with threonine at codon 372 of the PRDM8 protein (p.Ala372Thr). The alanine residue is moderately conserved and there is a small physicochemical difference between alanine and threonine.